The following is an entry in ClinVar:

NM_015443.4(KANSL1):c.3306G>A (p.Pro1102=)

Gene: KANSL1 (KAT8 regulatory NSL complex subunit 1). Cytogenetic location: 17q21.31.
Variant type: single nucleotide variant.
Coding change: c.3306G>A on transcript NM_015443.4 (MANE Select); coding-DNA position 3306, G replaced by A.
Protein change: p.Pro1102=; no amino-acid change (proline 1102 retained).
Molecular consequence: synonymous variant.
Genome position (GRCh38, 1-based): chr17:46,031,488, C>T on the plus strand (G>A on the coding strand, the complement: KANSL1 is on the minus strand). VCF-style: chr17-46031488-C-T. GRCh37 (hg19) VCF-style: chr17-44108854-C-T.
Other names: c.3303G>A, p.Pro1101= (NM_001193465.2); c.3306G>A, p.Pro1102= (NM_001193466.2, NM_001379198.1).
Identifiers: ClinVar variation 377995 (VCV000377995.36), dbSNP rs143746890, ClinGen allele CA8618322.

ClinVar aggregate classification (germline): Benign/Likely benign. Review status: criteria provided, multiple submitters, no conflicts (2 of 4 stars). 4 submissions from 4 submitters: Benign (1); Likely benign (3). Last evaluated 2025-09-17.

Conditions:
Koolen-de Vries syndrome (KDVS). Identifiers: Orphanet 96169, MedGen C1864871, MONDO:0012496, OMIM 610443.

Allele frequency attached by ClinVar (database versions not stated): TOPMed 0.00002; gnomAD 0.00006; gnomAD exomes 0.00010.
gnomAD v4.1: 158 of 1,608,706 alleles (0.0098%); highest among the groups gnomAD compares: East Asian, 0.018%; 1 homozygote.

Submissions (4):

Labcorp Genetics (formerly Invitae), Labcorp
Classification: Benign for Koolen-de Vries syndrome. Last evaluated: 2025-09-17. Review status: criteria provided, single submitter. Criteria: Invitae Variant Classification Sherloc (09022015). Collection method: clinical testing. Allele origin: germline.

CeGaT Center for Human Genetics Tuebingen
Classification: Likely benign. Last evaluated: 2023-01-01. Review status: criteria provided, single submitter. Criteria: CeGaT Center For Human Genetics Tuebingen Variant Classification Criteria Version 2. Collection method: clinical testing. Allele origin: germline. Affected: yes. Observed: 1 variant allele.
Comment: KANSL1: BP4, BP7

Fulgent Genetics
Classification: Likely benign for Koolen-de Vries syndrome. Last evaluated: 2021-08-06. Review status: criteria provided, single submitter. Criteria: ACMG Guidelines, 2015. Collection method: clinical testing. Allele origin: unknown.

GeneDx
Classification: Likely benign. Last evaluated: 2016-02-05. Review status: criteria provided, single submitter. Criteria: GeneDx Variant Classification (06012015). Collection method: clinical testing. Allele origin: germline. Affected: yes.
Comment: This variant is considered likely benign or benign based on one or more of the following criteria: it is a conservative change, it occurs at a poorly conserved position in the protein, it is predicted to be benign by multiple in silico algorithms, and/or has population frequency not consistent with disease.